The following is an entry in ClinVar:

ClinVar aggregate classification (germline): Uncertain significance. Review status: criteria provided, multiple submitters, no conflicts (2 of 4 stars). 2 submissions from 2 submitters: Uncertain significance (2). Last evaluated 2025-06-18.

Allele frequency attached by ClinVar (database versions not stated): ExAC 0.00002; gnomAD 0.00002; TOPMed 0.00002; 1000 Genomes Project 30x 0.00016; 1000 Genomes Project 0.00020.
gnomAD v4.1: 21 of 1,613,760 alleles (0.0013%); highest among the groups gnomAD compares: East Asian, 0.0067%; no homozygotes.

Submissions (2):

Ambry Genetics
Classification: Uncertain significance. Last evaluated: 2025-06-18. Review status: criteria provided, single submitter. Criteria: Ambry Variant Classification Scheme 2023. Collection method: clinical testing. Allele origin: germline.

Labcorp Genetics (formerly Invitae), Labcorp
Classification: Uncertain significance. Last evaluated: 2024-10-28. Review status: criteria provided, single submitter. Criteria: Invitae Variant Classification Sherloc (09022015). Collection method: clinical testing. Allele origin: germline.
Comment: This sequence change replaces glycine, which is neutral and non-polar, with arginine, which is basic and polar, at codon 4293 of the FAT2 protein (p.Gly4293Arg). This variant is present in population databases (rs199734683, gnomAD 0.02%). This variant has not been reported in the literature in individuals affected with FAT2-related conditions. An algorithm developed to predict the effect of missense changes on protein structure and function (PolyPhen-2) suggests that this variant is likely to be tolerated. In summary, the available evidence is currently insufficient to determine the role of this variant in disease. Therefore, it has been classified as a Variant of Uncertain Significance.

NM_001447.3(FAT2):c.12877G>A (p.Gly4293Arg)

Genes: FAT2 (FAT atypical cadherin 2; minus strand), SLC36A1 (solute carrier family 36 member 1; plus strand). Cytogenetic location: 5q33.1.
Variant type: single nucleotide variant.
Coding change: c.12877G>A on transcript NM_001447.3 (MANE Select); coding-DNA position 12877, G replaced by A.
Protein change: p.Gly4293Arg; replaces glycine 4293 with arginine.
Molecular consequence: missense variant.
Genome position (GRCh38, 1-based): chr5:151,505,738, C>T on the plus strand (G>A on the coding strand, the complement: FAT2 is on the minus strand). VCF-style: chr5-151505738-C-T. GRCh37 (hg19) VCF-style: chr5-150885299-C-T.
Other names: c.12877G>A (NM_001447.2); short protein forms G4293R.
Identifiers: ClinVar variation 2899925 (VCV002899925.4), dbSNP rs199734683, ClinGen allele CA3519653.